The following is an entry in ClinVar:

NM_005670.4(EPM2A):c.927C>G (p.Ala309=)

Gene: EPM2A (EPM2A glucan phosphatase, laforin; minus strand). Cytogenetic location: 6q24.3.
Variant type: single nucleotide variant.
Coding change: c.927C>G on transcript NM_005670.4 (MANE Select); coding-DNA position 927, C replaced by G.
Protein change: p.Ala309=; no amino-acid change (alanine 309 retained).
Molecular consequence: synonymous variant. On other transcripts: 3 prime UTR variant (1), non-coding transcript variant (1), intron variant (1).
Genome position (GRCh38, 1-based): chr6:145,627,485, G>C on the plus strand (C>G on the coding strand, the complement: EPM2A is on the minus strand). VCF-style: chr6-145627485-G-C. GRCh37 (hg19) VCF-style: chr6-145948621-G-C.
Other names: c.*10C>G (NM_001360057.2); c.513C>G, p.Ala171= (NM_001360064.2, NM_001360071.2, NM_001368131.1); c.465C>G, p.Ala155= (NM_001368129.2, NM_001368132.1); c.924+3C>G (NM_001018041.2).
Identifiers: ClinVar variation 669041 (VCV000669041.5), dbSNP rs1181128980, ClinGen allele CA452576559.
Genomic context (GRCh38, chr6:145,627,485, plus strand): 5'-ACACACAGAAGAACGAACCTTCCCAAATTTCTGGAAAAAATCTTCTTGTGCCCGGGCCAA[G>C]GCCTCTTCGTCAATGTAGACAGCCGGCCTCTTGGCCATGAGGAAATACTGCACCTTCCTC-3'
Protein context (NP_005661.1, residues 299-319): KRPAVYIDEE[Ala309=]LARAQEDFFQ

ClinVar aggregate classification (germline): Likely benign. Review status: criteria provided, multiple submitters, no conflicts (2 of 4 stars). 3 submissions from 3 submitters: Likely benign (3). Last evaluated 2025-09-28.

Conditions:
Inborn genetic diseases. Identifiers: MedGen C0950123, MeSH D030342.
Progressive myoclonic epilepsy. Also called: Myoclonus epilepsy; Myoclonic Epilepsies, Progressive; Progressive myoclonus epilepsy; Familial progressive myoclonic epilepsy. Identifiers: Orphanet 308, Orphanet 98261, MedGen C0751778, MONDO:0020074.

Allele frequency attached by ClinVar (database versions not stated): gnomAD exomes below 0.00001; TOPMed below 0.00001; gnomAD 0.00001.
gnomAD v4.1: 5 of 1,614,134 alleles (0.00031%); highest among the groups gnomAD compares: South Asian, 0.0044%; no homozygotes.

Submissions (3):

Ambry Genetics
Classification: Likely benign for Inborn genetic diseases. Last evaluated: 2025-09-28. Review status: criteria provided, single submitter. Criteria: Ambry Variant Classification Scheme 2023. Collection method: clinical testing. Allele origin: germline.

Labcorp Genetics (formerly Invitae), Labcorp
Classification: Likely benign for Progressive myoclonic epilepsy. Last evaluated: 2023-11-11. Review status: criteria provided, single submitter. Criteria: Invitae Variant Classification Sherloc (09022015). Collection method: clinical testing. Allele origin: germline.

GeneDx
Classification: Likely benign. Last evaluated: 2018-06-05. Review status: criteria provided, single submitter. Criteria: GeneDx Variant Classification (06012015). Collection method: clinical testing. Allele origin: germline. Affected: yes.
Comment: This variant is considered likely benign or benign based on one or more of the following criteria: it is a conservative change, it occurs at a poorly conserved position in the protein, it is predicted to be benign by multiple in silico algorithms, and/or has population frequency not consistent with disease.